The following is an entry in ClinVar:

ClinVar aggregate classification (germline): Pathogenic (1 of 4 stars; one submission).

Conditions:
Neurofibromatosis, type 1 (NF1). Also called: VON RECKLINGHAUSEN DISEASE; Peripheral type neurofibromatosis; NEUROFIBROMATOSIS, TYPE I, SOMATIC; Neurofibromatosis, type I. Identifiers: Orphanet 636, MedGen C0027831, MONDO:0018975, OMIM 162200. Disease mechanism: loss of function.

Submission:

Labcorp Genetics (formerly Invitae), Labcorp
Classification: Pathogenic for Neurofibromatosis, type 1. Last evaluated: 2025-05-28. Review status: criteria provided, single submitter. Criteria: Invitae Variant Classification Sherloc (09022015). Collection method: clinical testing. Allele origin: germline.
Comment: This sequence change creates a premature translational stop signal (p.Leu142Phefs*12) in the NF1 gene. It is expected to result in an absent or disrupted protein product. Loss-of-function variants in NF1 are known to be pathogenic (PMID: 10712197, 23913538). This variant is not present in population databases (gnomAD no frequency). This premature translational stop signal has been observed in individual(s) with neurofibromatosis type 1 (PMID: 10712197). For these reasons, this variant has been classified as Pathogenic.

Literature cited by the submitters: PubMed 10712197; PubMed 23913538.

NM_001042492.3(NF1):c.426_430del (p.Leu142fs)

Gene: NF1 (neurofibromin 1; plus strand). Cytogenetic location: 17q11.2.
Variant type: Deletion.
Coding change: c.426_430del on transcript NM_001042492.3 (MANE Select); coding-DNA positions 426 to 430, 5 bases deleted (ATTTT; older notation c.426_430delATTTT).
Protein change: p.Leu142fs; shifts the reading frame from leucine 142.
Molecular consequence: frameshift variant.
Genome position (GRCh38, 1-based): chr17:31,163,323-31,163,327, ATTTT deleted; deleting any 5 consecutive bases within chr17:31,163,319-31,163,327 gives the same sequence; the c. name uses the placement nearest the transcript's 3' end. VCF-style (leftmost placement, unchanged base first): chr17-31163318-GTTTTA-G. GRCh37 (hg19) VCF-style: chr17-29490336-GTTTTA-G.
Other names: c.426_430del, p.Leu142fs (NM_000267.4, NM_001128147.3); short protein forms L142fs.
Identifiers: ClinVar variation 4710334 (VCV004710334.1).
Genomic context (GRCh38, chr17:31,163,318, plus strand): 5'-CTTCACACCTGTCGTGAAGGAAACCAGCATGCAGCTGAACTTCGGAATTCTGCCTCTGGG[GTTTTA>G]TTTTCTCTCAGCTGCAACAACTTCAATGCAGTCTTTAGTCGCATTTCTACCAGGTTAGTG-3'